The following is an entry in ClinVar:

NM_000548.5(TSC2):c.4663-5C>T

Gene: TSC2 (TSC complex subunit 2; plus strand). Cytogenetic location: 16p13.3.
Variant type: single nucleotide variant.
Coding change: c.4663-5C>T on transcript NM_000548.5 (MANE Select); 5 bases into the intron before coding-DNA position 4663, C replaced by T.
Molecular consequence: intron variant.
Genome position (GRCh38, 1-based): chr16:2,086,188, C>T. VCF-style: chr16-2086188-C-T. GRCh37 (hg19) VCF-style: chr16-2136189-C-T.
Other names: c.4594-5C>T (NM_001114382.3); c.4534-5C>T (NM_021055.3, NM_001370405.1); c.4465-5C>T (NM_001363528.2); c.4531-5C>T (NM_001370404.1); c.4462-5C>T (NM_001077183.3); c.4354-5C>T (NM_001318827.2); c.3931-5C>T (NM_001318831.2); c.4318-5C>T (NM_001318829.2); and 1 more.
Identifiers: ClinVar variation 536021 (VCV000536021.13), dbSNP rs1555515976, ClinGen allele CA658798489.

ClinVar aggregate classification (germline): Likely benign. Review status: criteria provided, multiple submitters, no conflicts (2 of 4 stars). 4 submissions from 4 submitters: Likely benign (4). Last evaluated 2025-11-18.

Conditions:
Hereditary cancer-predisposing syndrome. Also called: Neoplastic Syndromes, Hereditary; Tumor predisposition; Hereditary Cancer Syndrome; Hereditary neoplastic syndrome. Identifiers: Orphanet 140162, MedGen C0027672, MeSH D009386, MONDO:0015356.
Tuberous sclerosis syndrome (TSC). Also called: Tuberous Sclerosis Complex; Tuberous sclerosis. Identifiers: Orphanet 805, MedGen C0041341, MONDO:0001734.
Tuberous sclerosis 2 (TSC2). Identifiers: Orphanet 805, MedGen C1860707, MONDO:0013199, OMIM 613254.

Allele frequency attached by ClinVar (database versions not stated): gnomAD exomes below 0.00001; TOPMed below 0.00001; gnomAD 0.00001.
gnomAD v4.1: 5 of 1,612,076 alleles (0.00031%); highest among the groups gnomAD compares: African/African-American, 0.0027%; no homozygotes.

Submissions (4):

Labcorp Genetics (formerly Invitae), Labcorp
Classification: Likely benign for Tuberous sclerosis 2. Last evaluated: 2025-11-18. Review status: criteria provided, single submitter. Criteria: Invitae Variant Classification Sherloc (09022015). Collection method: clinical testing. Allele origin: germline.

Myriad Genetics, Inc.
Classification: Likely benign for Tuberous sclerosis 2. Last evaluated: 2025-06-04. Review status: criteria provided, single submitter. Criteria: Myriad Autosomal Dominant, Autosomal Recessive and X-Linked Classification Criteria (2023). Collection method: clinical testing. Allele origin: unknown.
Comment: This variant is considered likely benign. This variant is intronic and is not expected to impact mRNA splicing.

Color Diagnostics, LLC DBA Color Health
Classification: Likely benign for Tuberous sclerosis syndrome. Last evaluated: 2025-05-20. Review status: criteria provided, single submitter. Criteria: ACMG Guidelines, 2015. Collection method: clinical testing. Allele origin: germline.

Ambry Genetics
Classification: Likely benign for Hereditary cancer-predisposing syndrome. Last evaluated: 2023-05-31. Review status: criteria provided, single submitter. Criteria: Ambry Variant Classification Scheme 2023. Collection method: clinical testing. Allele origin: germline.